The following is an entry in ClinVar:

ClinVar aggregate classification (germline): Uncertain significance (1 of 4 stars; one submission).

Submission:

GeneDx
Classification: Uncertain significance. Last evaluated: 2025-06-23. Review status: criteria provided, single submitter. Criteria: GeneDx Variant Classification Process June 2021. Collection method: clinical testing. Allele origin: germline. Affected: yes.
Comment: Not observed at significant frequency in large population cohorts (gnomAD); In silico analysis suggests that this variant does not alter splicing; Has not been previously published as pathogenic or benign to our knowledge

NM_002578.5(PAK3):c.1110+5G>A

Gene: PAK3 (p21 (RAC1) activated kinase 3; plus strand). Cytogenetic location: Xq23.
Variant type: single nucleotide variant.
Coding change: c.1110+5G>A on transcript NM_002578.5 (MANE Select); 5 bases into the intron after coding-DNA position 1110, G replaced by A.
Molecular consequence: intron variant.
Genome position (GRCh38, 1-based): chrX:111,194,423, G>A. VCF-style: chrX-111194423-G-A. GRCh37 (hg19) VCF-style: chrX-110437651-G-A.
Other names: c.1110+5G>A (NM_001324330.2, NM_001128167.3, NM_001324332.2 and 5 more transcripts); c.1218+5G>A (NM_001128168.3); c.1155+5G>A (NM_001128173.3, NM_001324329.2, NM_001324327.2 and 2 more transcripts); c.1173+5G>A (NM_001128172.2).
Identifiers: ClinVar variation 4540132 (VCV004540132.1).